The following is an entry in ClinVar:

NM_004519.4(KCNQ3):c.2344A>G (p.Ile782Val)

Gene: KCNQ3 (potassium voltage-gated channel subfamily Q member 3; minus strand). Cytogenetic location: 8q24.22.
Variant type: single nucleotide variant.
Coding change: c.2344A>G on transcript NM_004519.4 (MANE Select); coding-DNA position 2344, A replaced by G.
Protein change: p.Ile782Val; replaces isoleucine 782 with valine.
Molecular consequence: missense variant.
Genome position (GRCh38, 1-based): chr8:132,129,537, T>C on the plus strand (A>G on the coding strand, the complement: KCNQ3 is on the minus strand). VCF-style: chr8-132129537-T-C. GRCh37 (hg19) VCF-style: chr8-133141784-T-C.
Other names: c.1984A>G, p.Ile662Val (NM_001204824.2); short protein forms I662V, I782V.
Identifiers: ClinVar variation 863332 (VCV000863332.9), dbSNP rs1391097567, ClinGen allele CA372216096.

ClinVar aggregate classification (germline): Uncertain significance (1 of 4 stars; one submission).

Conditions:
Benign neonatal seizures. Also called: Benign familial neonatal seizures; Convulsions benign familial neonatal dominant form; Autosomal dominant form of benign neonatal seizures; Benign neonatal familial convulsions; Benign familial neonatal epilepsy. Identifiers: Orphanet 1949, MedGen C0220669, MONDO:0016027.

Allele frequency attached by ClinVar (database versions not stated): TOPMed 0.00001.
gnomAD v4.1: 7 of 1,614,080 alleles (0.00043%); highest among the groups gnomAD compares: African/African-American, 0.0013%; no homozygotes.

Submission:

Labcorp Genetics (formerly Invitae), Labcorp
Classification: Uncertain significance for Benign neonatal seizures. Last evaluated: 2020-03-06. Review status: criteria provided, single submitter. Criteria: Invitae Variant Classification Sherloc (09022015). Collection method: clinical testing. Allele origin: germline.
Comment: This variant has not been reported in the literature in individuals with KCNQ3-related conditions. This sequence change replaces isoleucine with valine at codon 782 of the KCNQ3 protein (p.Ile782Val). The isoleucine residue is moderately conserved and there is a small physicochemical difference between isoleucine and valine. This variant is not present in population databases (ExAC no frequency). Algorithms developed to predict the effect of missense changes on protein structure and function output the following: SIFT: "Tolerated"; PolyPhen-2: "Benign"; Align-GVGD: "Class C0". The valine amino acid residue is found in multiple mammalian species, suggesting that this missense change does not adversely affect protein function. These predictions have not been confirmed by published functional studies and their clinical significance is uncertain. In summary, the available evidence is currently insufficient to determine the role of this variant in disease. Therefore, it has been classified as a Variant of Uncertain Significance.